The following is an entry in ClinVar:

NM_024513.4(FYCO1):c.3574C>T (p.Arg1192Trp)

Gene: FYCO1 (FYVE and coiled-coil domain autophagy adaptor 1; minus strand). Cytogenetic location: 3p21.31.
Variant type: single nucleotide variant.
Coding change: c.3574C>T on transcript NM_024513.4 (MANE Select); coding-DNA position 3574, C replaced by T.
Protein change: p.Arg1192Trp; replaces arginine 1192 with tryptophan.
Molecular consequence: missense variant. On other transcripts: non-coding transcript variant (1).
Genome position (GRCh38, 1-based): chr3:45,959,406, G>A on the plus strand (C>T on the coding strand, the complement: FYCO1 is on the minus strand). VCF-style: chr3-45959406-G-A. GRCh37 (hg19) VCF-style: chr3-46000898-G-A.
Other names: c.3574C>T, p.Arg1192Trp (NM_001386421.1, NM_001386422.1, NM_001386423.1 and 4 more transcripts); c.3454C>T, p.Arg1152Trp (NM_001386426.1); c.3430C>T, p.Arg1144Trp (NM_001386427.1); c.2974C>T, p.Arg992Trp (NM_001386430.1); short protein forms R1144W, R1152W, R1192W, R992W.
Identifiers: ClinVar variation 1401275 (VCV001401275.6), dbSNP rs1346321563, ClinGen allele CA352448791.

ClinVar aggregate classification (germline): Uncertain significance (1 of 4 stars; one submission).

Conditions:
Cataract 18 (CATC2). Also called: CATARACT 18, AUTOSOMAL RECESSIVE. Identifiers: Orphanet 91492, Orphanet 98991, Orphanet 98992, Orphanet 98995, MedGen C1864908, MONDO:0012395, OMIM 610019.

Allele frequency attached by ClinVar (database versions not stated): gnomAD 0.00001; gnomAD exomes 0.00001; TOPMed 0.00002.
gnomAD v4.1: 15 of 1,613,806 alleles (0.00093%); highest among the groups gnomAD compares: Admixed American, 0.0017%; no homozygotes.

Submission:

Labcorp Genetics (formerly Invitae), Labcorp
Classification: Uncertain significance for Cataract 18. Last evaluated: 2021-10-02. Review status: criteria provided, single submitter. Criteria: Invitae Variant Classification Sherloc (09022015). Collection method: clinical testing. Allele origin: germline.
Comment: This variant is not present in population databases (ExAC no frequency). In summary, the available evidence is currently insufficient to determine the role of this variant in disease. Therefore, it has been classified as a Variant of Uncertain Significance. Algorithms developed to predict the effect of missense changes on protein structure and function (SIFT, PolyPhen-2, Align-GVGD) all suggest that this variant is likely to be disruptive. This variant has not been reported in the literature in individuals affected with FYCO1-related conditions. This sequence change replaces arginine with tryptophan at codon 1192 of the FYCO1 protein (p.Arg1192Trp). The arginine residue is highly conserved and there is a moderate physicochemical difference between arginine and tryptophan.